The following is an entry in ClinVar:

ClinVar aggregate classification (germline): Uncertain significance. Review status: criteria provided, multiple submitters, no conflicts (2 of 4 stars). 3 submissions from 3 submitters: Uncertain significance (3). Last evaluated 2022-08-16.

Conditions:
Inosine triphosphatase deficiency. Also called: INOSINE TRIPHOSPHATE PYROPHOSPHOHYDROLASE DEFICIENCY. Identifiers: MedGen C0342800, MONDO:0013461, OMIM 613850.
Inborn genetic diseases. Identifiers: MedGen C0950123, MeSH D030342.

Allele frequency attached by ClinVar (database versions not stated): ExAC 0.00002; gnomAD exomes 0.00002 and 0.00005; gnomAD 0.00004 and 0.00005; TOPMed 0.00006.

Submissions (3):

Labcorp Genetics (formerly Invitae), Labcorp
Classification: Uncertain significance for Inosine triphosphatase deficiency. Last evaluated: 2022-08-16. Review status: criteria provided, single submitter. Criteria: Invitae Variant Classification Sherloc (09022015). Collection method: clinical testing. Allele origin: germline.
Comment: This sequence change replaces threonine, which is neutral and polar, with asparagine, which is neutral and polar, at codon 34 of the ITPA protein (p.Thr34Asn). This variant is present in population databases (rs773947334, gnomAD 0.004%). This variant has not been reported in the literature in individuals affected with ITPA-related conditions. ClinVar contains an entry for this variant (Variation ID: 533421). Algorithms developed to predict the effect of missense changes on protein structure and function (SIFT, PolyPhen-2, Align-GVGD) all suggest that this variant is likely to be tolerated. In summary, the available evidence is currently insufficient to determine the role of this variant in disease. Therefore, it has been classified as a Variant of Uncertain Significance.

Ambry Genetics
Classification: Uncertain significance for Inborn genetic diseases. Last evaluated: 2022-01-25. Review status: criteria provided, single submitter. Criteria: Ambry Variant Classification Scheme 2023. Collection method: clinical testing. Allele origin: germline.

Breakthrough Genomics
Classification: Uncertain significance. Review status: criteria provided, single submitter. Criteria: ACMG Guidelines, 2015. Collection method: not provided. Allele origin: germline. Inheritance: Autosomal dominant inheritance. Affected: yes.

NM_033453.4(ITPA):c.101C>A (p.Thr34Asn)

Gene: ITPA (inosine triphosphatase; plus strand). Cytogenetic location: 20p13.
Variant type: single nucleotide variant.
Coding change: c.101C>A on transcript NM_033453.4 (MANE Select); coding-DNA position 101, C replaced by A.
Protein change: p.Thr34Asn; replaces threonine 34 with asparagine.
Molecular consequence: missense variant. On other transcripts: 5 prime UTR variant (1), non-coding transcript variant (2), intron variant (4).
Genome position (GRCh38, 1-based): chr20:3,213,203, C>A. VCF-style: chr20-3213203-C-A. GRCh37 (hg19) VCF-style: chr20-3193849-C-A.
Other names: c.-237C>A (NM_001324237.2); c.101C>A, p.Thr34Asn (NM_001324240.2); c.50C>A, p.Thr17Asn (NM_181493.4); c.-274-55C>A (NM_001324238.2, NM_001324236.2, NM_001351739.2); c.67-782C>A (NM_001267623.2); c.101C>A (NM_033453.2); short protein forms T34N, T17N.
Identifiers: ClinVar variation 533421 (VCV000533421.6), dbSNP rs773947334, ClinGen allele CA9741146.